The following is an entry in ClinVar:

NM_024301.5(FKRP):c.780G>C (p.Glu260Asp)

Gene: FKRP (fukutin related protein; plus strand). Cytogenetic location: 19q13.32.
Variant type: single nucleotide variant.
Coding change: c.780G>C on transcript NM_024301.5 (MANE Select); coding-DNA position 780, G replaced by C.
Protein change: p.Glu260Asp; replaces glutamic acid 260 with aspartic acid.
Molecular consequence: missense variant.
Genome position (GRCh38, 1-based): chr19:46,756,230, G>C. VCF-style: chr19-46756230-G-C. GRCh37 (hg19) VCF-style: chr19-47259487-G-C.
Other names: c.780G>C, p.Glu260Asp (NM_001039885.3); short protein forms E260D.
Identifiers: ClinVar variation 934863 (VCV000934863.7), dbSNP rs1414659732, ClinGen allele CA406496002.
Genomic context (GRCh38, chr19:46,756,230, plus strand): 5'-CGCCGCGGCGCGCCAGCCCCCGCTGGCCACGGCCCACGCGCGCTGGAAGGCTGAGCGCGA[G>C]GGACGCGCTCGGCGGGCGGCGCTGCTCCGCGCGCTGGGCATCCGCCTAGTGAGCTGGGAA-3'
Protein context (NP_077277.1, residues 250-270): TAHARWKAER[Glu260Asp]GRARRAALLR

ClinVar aggregate classification (germline): Uncertain significance. Review status: criteria provided, single submitter (1 of 4 stars). 2 submissions from 2 submitters: Uncertain significance (1). 1 of the submissions does not count toward it. Last evaluated 2021-08-28.

Conditions:
Walker-Warburg congenital muscular dystrophy. Also called: Muscular dystrophy-dystroglycanopathy, type A; Walker-Warburg syndrome. Identifiers: Orphanet 899, MedGen C0265221, MONDO:0000171.
Autosomal recessive limb-girdle muscular dystrophy type 2I. Also called: MUSCULAR DYSTROPHY-DYSTROGLYCANOPATHY, LIMB-GIRDLE, FRKP-RELATED; MUSCULAR DYSTROPHY, LIMB-GIRDLE, TYPE 2I; MUSCULAR DYSTROPHY-DYSTROGLYCANOPATHY (LIMB-GIRDLE), TYPE C, 5. Identifiers: Orphanet 34515, MedGen C1846672, MONDO:0011787, OMIM 607155.

gnomAD v4.1: 3 of 1,452,182 alleles (0.00021%); highest among the groups gnomAD compares: Admixed American, 0.0027%; no homozygotes.

Submissions (2):

Labcorp Genetics (formerly Invitae), Labcorp
Classification: Uncertain significance for Walker-Warburg congenital muscular dystrophy. Last evaluated: 2021-08-28. Review status: criteria provided, single submitter. Criteria: Invitae Variant Classification Sherloc (09022015). Collection method: clinical testing. Allele origin: germline.
Comment: This sequence change replaces glutamic acid with aspartic acid at codon 260 of the FKRP protein (p.Glu260Asp). The glutamic acid residue is moderately conserved and there is a small physicochemical difference between glutamic acid and aspartic acid. The frequency data for this variant in the population databases is considered unreliable, as metrics indicate insufficient coverage at this position in the ExAC database. This variant has not been reported in the literature in individuals affected with FKRP-related conditions. Algorithms developed to predict the effect of missense changes on protein structure and function (SIFT, PolyPhen-2, Align-GVGD) all suggest that this variant is likely to be tolerated. In summary, the available evidence is currently insufficient to determine the role of this variant in disease. Therefore, it has been classified as a Variant of Uncertain Significance.

Natera, Inc.
Classification: Uncertain significance for Limb-girdle muscular dystrophy type 2I. Last evaluated: 2020-05-15. Review status: no assertion criteria provided. Collection method: clinical testing. Allele origin: germline. Not counted in ClinVar's aggregate classification.